The following is an entry in ClinVar:

ClinVar aggregate classification (germline): Uncertain significance. Review status: criteria provided, multiple submitters, no conflicts (2 of 4 stars). 2 submissions from 2 submitters: Uncertain significance (2). Last evaluated 2026-06-05.

Conditions:
TSEN54-related disorder. Also called: TSEN54-related condition.

Allele frequency attached by ClinVar (database versions not stated): 1000 Genomes Project 30x 0.00031; 1000 Genomes Project 0.00040.
gnomAD v4.1: 20 of 1,591,856 alleles (0.0013%); highest among the groups gnomAD compares: East Asian, 0.021%; no homozygotes.

Submissions (2):

PreventionGenetics, part of Exact Sciences
Classification: Uncertain significance for TSEN54-related condition. Last evaluated: 2026-06-05. Review status: criteria provided, single submitter. Criteria: ACMG Guidelines, 2015. Collection method: clinical testing. Allele origin: germline.
Comment: The TSEN54 c.949G>T variant is predicted to result in the amino acid substitution p.Ala317Ser. To our knowledge, this variant has not been reported in the literature. This variant is reported in 0.033% of alleles in individuals of East Asian descent in gnomAD. At this time, the clinical significance of this variant is uncertain due to the absence of conclusive functional and genetic evidence.

Eurofins Ntd Llc (ga)
Classification: Uncertain significance. Last evaluated: 2015-11-20. Review status: criteria provided, single submitter. Criteria: EGL Classification Definitions 2015. Collection method: clinical testing. Allele origin: germline. Observed: 2 variant alleles, 2 heterozygotes.

NM_207346.3(TSEN54):c.949G>T (p.Ala317Ser)

Gene: TSEN54 (tRNA splicing endonuclease subunit 54; plus strand). Cytogenetic location: 17q25.1.
Variant type: single nucleotide variant.
Coding change: c.949G>T on transcript NM_207346.3 (MANE Select); coding-DNA position 949, G replaced by T.
Protein change: p.Ala317Ser; replaces alanine 317 with serine.
Molecular consequence: missense variant.
Genome position (GRCh38, 1-based): chr17:75,522,030, G>T. VCF-style: chr17-75522030-G-T. GRCh37 (hg19) VCF-style: chr17-73518111-G-T.
Other names: c.949G>T (NM_207346.2); short protein forms A317S.
Identifiers: ClinVar variation 284699 (VCV000284699.6), dbSNP rs201125812, ClinGen allele CA8764312.